The following is an entry in ClinVar:

ClinVar aggregate classification (germline): Uncertain significance (1 of 4 stars; one submission).

Conditions:
Autosomal recessive limb-girdle muscular dystrophy type 2L (LGMDR12). Also called: MUSCULAR DYSTROPHY, LIMB-GIRDLE, AUTOSOMAL RECESSIVE 12; Limb-Girdle Muscular Dystrophy R12 Anoctamin-5-Related (LGMD-R12); Limb-girdle muscular dystrophy, type 2L. Identifiers: Orphanet 206549, MedGen C1969785, MONDO:0012652, OMIM 611307.
Gnathodiaphyseal dysplasia (GDD). Also called: GNATHODIAPHYSEAL SCLEROSIS; OSTEOGENESIS IMPERFECTA WITH UNUSUAL SKELETAL LESIONS. Identifiers: Orphanet 53697, MedGen C1833736, MONDO:0008151, OMIM 166260.

gnomAD v4.1: 2 of 1,614,060 alleles (0.00012%); highest among the groups gnomAD compares: Non-Finnish European, 0.00017%; no homozygotes.

Submission:

Labcorp Genetics (formerly Invitae), Labcorp
Classification: Uncertain significance for Autosomal recessive limb-girdle muscular dystrophy type 2L; Gnathodiaphyseal dysplasia. Last evaluated: 2024-11-13. Review status: criteria provided, single submitter. Criteria: Invitae Variant Classification Sherloc (09022015). Collection method: clinical testing. Allele origin: germline.
Comment: This sequence change replaces arginine, which is basic and polar, with proline, which is neutral and non-polar, at codon 642 of the ANO5 protein (p.Arg642Pro). This variant is present in population databases (no rsID available, gnomAD 0.0009%). This variant has not been reported in the literature in individuals affected with ANO5-related conditions. Invitae Evidence Modeling of protein sequence and biophysical properties (such as structural, functional, and spatial information, amino acid conservation, physicochemical variation, residue mobility, and thermodynamic stability) indicates that this missense variant is expected to disrupt ANO5 protein function with a positive predictive value of 95%. In summary, the available evidence is currently insufficient to determine the role of this variant in disease. Therefore, it has been classified as a Variant of Uncertain Significance.

NM_213599.3(ANO5):c.1925G>C (p.Arg642Pro)

Gene: ANO5 (anoctamin 5; plus strand). Cytogenetic location: 11p14.3.
Variant type: single nucleotide variant.
Coding change: c.1925G>C on transcript NM_213599.3 (MANE Select); coding-DNA position 1925, G replaced by C.
Protein change: p.Arg642Pro; replaces arginine 642 with proline.
Molecular consequence: missense variant.
Genome position (GRCh38, 1-based): chr11:22,270,338, G>C. VCF-style: chr11-22270338-G-C. GRCh37 (hg19) VCF-style: chr11-22291884-G-C.
Other names: c.1922G>C, p.Arg641Pro (NM_001142649.2); c.1883G>C, p.Arg628Pro (NM_001410963.1); c.1880G>C, p.Arg627Pro (NM_001410964.1); short protein forms R627P, R628P, R641P, R642P.
Identifiers: ClinVar variation 3763335 (VCV003763335.2).